The following is an entry in ClinVar:

NM_000520.6(HEXA):c.450_451insC (p.Glu151fs)

Gene: HEXA (hexosaminidase subunit alpha; minus strand). Cytogenetic location: 15q23.
Variant type: Insertion.
Coding change: c.450_451insC on transcript NM_000520.6 (MANE Select); coding-DNA positions 450 to 451, C inserted.
Protein change: p.Glu151fs; shifts the reading frame from glutamic acid 151.
Molecular consequence: frameshift variant. On other transcripts: non-coding transcript variant (1).
Genome position: GRCh38 VCF-style: chr15-72353699-C-CG. GRCh37 (hg19) VCF-style: chr15-72646040-C-CG.
Other names: c.483_484insC, p.Glu162fs (NM_001318825.2); short protein forms E151fs, E162fs.
Identifiers: ClinVar variation 5013879 (VCV005013879.1).

ClinVar aggregate classification (germline): Pathogenic (1 of 4 stars; one submission).

Conditions:
Tay-Sachs disease (TSD). Also called: HEXA DEFICIENCY; GM2 gangliosidosis, type 1; Hexosaminidase alpha-subunit deficiency (variant B); Sphingolipidosis, Tay-Sachs; Hexosaminidase A Deficiency; HEXA Disorders. Identifiers: Orphanet 845, MedGen C0039373, MONDO:0010100, OMIM 272800.

Submission:

Myriad Genetics, Inc.
Classification: Pathogenic for Tay-Sachs disease. Last evaluated: 2024-12-21. Review status: criteria provided, single submitter. Criteria: Myriad Autosomal Dominant, Autosomal Recessive and X-Linked Classification Criteria (2023). Collection method: clinical testing. Allele origin: unknown.
Comment: NM_000520.4(HEXA):c.450_451insC(E151Rfs*10) is expected to be pathogenic in the context of hexosaminidase A deficiency. This variant is predicted to lead to an abnormal or absent protein product due to the creation of a premature termination codon in HEXA, a gene where loss-of-function variants are known to be pathogenic. Please note: this variant was assessed in the context of healthy population screening.